The following is an entry in ClinVar:

ClinVar aggregate classification (germline): Conflicting classifications of pathogenicity. Review status: criteria provided, conflicting classifications (1 of 4 stars). 3 submissions from 3 submitters: Uncertain significance (1); Likely benign (2). Last evaluated 2026-01-12.

Conditions:
Gorlin syndrome. Also called: Basal cell nevus syndrome; Nevoid Basal Cell Carcinoma Syndrome. Identifiers: Orphanet 377, MedGen C0004779, MONDO:0007187.
Medulloblastoma (MDB). Also called: Medulloblastoma, somatic; MEDULLOBLASTOMA PREDISPOSITION SYNDROME. Identifiers: Orphanet 616, MedGen C0025149, MeSH D008527, MONDO:0007959, OMIM 155255, HP:0002885.
Hereditary cancer-predisposing syndrome. Also called: Hereditary neoplastic syndrome; Tumor predisposition; Neoplastic Syndromes, Hereditary; Hereditary Cancer Syndrome. Identifiers: Orphanet 140162, MedGen C0027672, MeSH D009386, MONDO:0015356.

Allele frequency attached by ClinVar (database versions not stated): gnomAD exomes below 0.00001; TOPMed below 0.00001.
gnomAD v4.1: 3 of 1,614,240 alleles (0.00019%); highest among the groups gnomAD compares: South Asian, 0.0011%; no homozygotes.

Submissions (3):

Labcorp Genetics (formerly Invitae), Labcorp
Classification: Likely benign for Gorlin syndrome; Medulloblastoma. Last evaluated: 2026-01-12. Review status: criteria provided, single submitter. Criteria: Invitae Variant Classification Sherloc (09022015). Collection method: clinical testing. Allele origin: germline.

Quest Diagnostics Nichols Institute San Juan Capistrano
Classification: Uncertain significance. Last evaluated: 2025-10-08. Review status: criteria provided, single submitter. Criteria: Quest Diagnostics criteria. Collection method: clinical testing. Allele origin: unknown.
Comment: The SUFU c.1419C>T (p.Ile473=) synonymous variant has not been reported in individuals with SUFU-related conditions in the published literature. This variant also has not been reported in large, multi-ethnic general populations (Genome Aggregation Database). Analysis of this variant using software algorithms for the prediction of the effect of nucleotide changes on splicing yielded predictions that this variant does not affect SUFU mRNA splicing. Based on the available information, we are unable to determine the clinical significance of this variant.

Ambry Genetics
Classification: Likely benign for Hereditary cancer-predisposing syndrome. Last evaluated: 2020-01-03. Review status: criteria provided, single submitter. Criteria: Ambry Variant Classification Scheme 2023. Collection method: clinical testing. Allele origin: germline.

NM_016169.4(SUFU):c.1419C>T (p.Ile473=)

Gene: SUFU (SUFU negative regulator of hedgehog signaling; plus strand). Cytogenetic location: 10q24.32.
Variant type: single nucleotide variant.
Coding change: c.1419C>T on transcript NM_016169.4 (MANE Select); coding-DNA position 1419, C replaced by T.
Protein change: p.Ile473=; no amino-acid change (isoleucine 473 retained).
Molecular consequence: synonymous variant.
Genome position (GRCh38, 1-based): chr10:102,630,119, C>T. VCF-style: chr10-102630119-C-T. GRCh37 (hg19) VCF-style: chr10-104389876-C-T.
Identifiers: ClinVar variation 1105973 (VCV001105973.13), dbSNP rs1342217589, ClinGen allele CA471287342.